The following is an entry in ClinVar:

ClinVar aggregate classification (germline): Uncertain significance (1 of 4 stars; one submission).

Conditions:
Werner syndrome (WRN). Identifiers: Orphanet 902, MedGen C0043119, MONDO:0010196, OMIM 277700.

Submission:

Labcorp Genetics (formerly Invitae), Labcorp
Classification: Uncertain significance for Werner syndrome. Last evaluated: 2024-04-16. Review status: criteria provided, single submitter. Criteria: Invitae Variant Classification Sherloc (09022015). Collection method: clinical testing. Allele origin: germline.
Comment: This sequence change replaces tyrosine, which is neutral and polar, with histidine, which is basic and polar, at codon 218 of the WRN protein (p.Tyr218His). This variant is not present in population databases (gnomAD no frequency). This variant has not been reported in the literature in individuals affected with WRN-related conditions. ClinVar contains an entry for this variant (Variation ID: 2092992). An algorithm developed to predict the effect of missense changes on protein structure and function (PolyPhen-2) suggests that this variant is likely to be disruptive. In summary, the available evidence is currently insufficient to determine the role of this variant in disease. Therefore, it has been classified as a Variant of Uncertain Significance.

NM_000553.6(WRN):c.652T>C (p.Tyr218His)

Gene: WRN (WRN RecQ like helicase; plus strand). Cytogenetic location: 8p12.
Variant type: single nucleotide variant.
Coding change: c.652T>C on transcript NM_000553.6 (MANE Select); coding-DNA position 652, T replaced by C.
Protein change: p.Tyr218His; replaces tyrosine 218 with histidine.
Molecular consequence: missense variant.
Genome position (GRCh38, 1-based): chr8:31,067,180, T>C. VCF-style: chr8-31067180-T-C. GRCh37 (hg19) VCF-style: chr8-30924696-T-C.
Other names: short protein forms Y218H.
Identifiers: ClinVar variation 2092992 (VCV002092992.4), dbSNP rs2535887567, ClinGen allele CA370916441.